The following is an entry in ClinVar:

ClinVar aggregate classification (germline): Uncertain significance (1 of 4 stars; one submission).

Submission:

Ambry Genetics
Classification: Uncertain significance. Last evaluated: 2022-02-13. Review status: criteria provided, single submitter. Criteria: Ambry Variant Classification Scheme 2023. Collection method: clinical testing. Allele origin: germline.
Comment: The p.M880T variant (also known as c.2639T>C), located in coding exon 24 of the PRKDC gene, results from a T to C substitution at nucleotide position 2639. The methionine at codon 880 is replaced by threonine, an amino acid with similar properties. This amino acid position is conserved. In addition, this alteration is predicted to be tolerated by in silico analysis. Since supporting evidence is limited at this time, the clinical significance of this alteration remains unclear.

NM_006904.7(PRKDC):c.2639T>C (p.Met880Thr)

Gene: PRKDC (protein kinase, DNA-activated, catalytic subunit; minus strand). Cytogenetic location: 8q11.21.
Variant type: single nucleotide variant.
Coding change: c.2639T>C on transcript NM_006904.7 (MANE Select); coding-DNA position 2639, T replaced by C.
Protein change: p.Met880Thr; replaces methionine 880 with threonine.
Molecular consequence: missense variant.
Genome position (GRCh38, 1-based): chr8:47,914,043, A>G on the plus strand (T>C on the coding strand, the complement: PRKDC is on the minus strand). VCF-style: chr8-47914043-A-G. GRCh37 (hg19) VCF-style: chr8-48826603-A-G.
Other names: c.2639T>C, p.Met880Thr (NM_001081640.2); short protein forms M880T.
Identifiers: ClinVar variation 1794160 (VCV001794160.2), dbSNP rs1238399002, ClinGen allele CA371159569.